The following continues an entry in ClinVar:

NM_000492.4(CFTR):c.2856G>C (p.Met952Ile)

Gene: CFTR. ClinVar aggregate classification (germline): Conflicting classifications of pathogenicity. Pathogenic (12); Likely pathogenic (11); Uncertain significance (3).

Submissions 24 to 28 of 28:

Illumina Laboratory Services, Illumina
Classification: Likely pathogenic for CFTR-Related Disorders. Last evaluated: 2017-04-28. Review status: criteria provided, single submitter. Criteria: ICSL Variant Classification Criteria 09 May 2019. Collection method: clinical testing. Allele origin: germline.
Comment: The CFTR c.2856G>C (p.Met952Ile) missense variant has been reported in at least six studies and is found in a total of ten individuals with CFTR-related disorders. The p.Met952Ile variant was identified in a compound heterozygous state in five individuals with congenital bilateral absence of the vas deferens (CBAVD), four of whom were identified with the p.Phe508del variant in trans (Uzun et al. 2005; Steiner et al. 2011). The p.Met952Ile was also identified in a heterozygous state in three individuals with cystic fibrosis, one individual with oligospermia, and one individual with CBAVD (Desgeorges et al. 1997; Onay et al. 1998; Gallati et al. 2009; Steiner et al. 2011; KÅ™enkovÃ¡ et al. 2013). The p.Met952Ile variant was absent from 415 controls but is reported at a frequency of 0.00012 in the European (non-Finnish) population of the Exome Aggregation Consortium. Based on the evidence, the p.Met952Ile variant is classified as likely pathogenic for CFTR-related disorders, and has most commonly been reported in patients with CBAVD. This variant was observed by ICSL as part of a predisposition screen in an ostensibly healthy population.

Baylor Genetics
Classification: Pathogenic for Congenital bilateral aplasia of vas deferens from CFTR mutation. Review status: criteria provided, single submitter. Criteria: ACMG Guidelines, 2015. Collection method: clinical testing. Allele origin: unknown.

Kariminejad - Najmabadi Pathology & Genetics Center
Classification: Pathogenic for Cystic fibrosis. Review status: criteria provided, single submitter. Criteria: ACMG Guidelines, 2015. Collection method: clinical testing. Allele origin: germline. Affected: no.

Counsyl
Classification: Uncertain significance for Cystic fibrosis. Last evaluated: 2017-06-19. Review status: no assertion criteria provided. Collection method: clinical testing. Allele origin: unknown. Not counted in ClinVar's aggregate classification.

ClinVar Staff, National Center for Biotechnology Information (NCBI)
No classification provided. Condition: CFTR-related disorders. Review status: no classification provided. Collection method: literature only. Allele origin: germline. Affected: yes. Not counted in ClinVar's aggregate classification.

Literature cited by the submitters: PubMed 10200050 (cited by Labcorp Genetics (formerly Invitae), Labcorp and Women's Health and Genetics/Laboratory Corporation of America, LabCorp); PubMed 15070876 (cited by 4 submitters); PubMed 15287992 (cited by 3 submitters); PubMed 16272798 (cited by 4 submitters); PubMed 16980811 (cited by 4 submitters); PubMed 21520337 (cited by 7 submitters); PubMed 23276700 (cited by 5 submitters); PubMed 10875853 (cited by Labcorp Genetics (formerly Invitae), Labcorp and 3billion); PubMed 9254864 (cited by 7 submitters); PubMed 17329263 (cited by 3 submitters); PubMed 29484681 (cited by Ambry Genetics and Women's Health and Genetics/Laboratory Corporation of America, LabCorp); PubMed 33374015 (cited by Ambry Genetics and Women's Health and Genetics/Laboratory Corporation of America, LabCorp); PubMed 38388235 (cited by Quest Diagnostics Nichols Institute San Juan Capistrano); PubMed 34426522 (cited by Quest Diagnostics Nichols Institute San Juan Capistrano); PubMed 36670555 (cited by Quest Diagnostics Nichols Institute San Juan Capistrano); PubMed 36409994 (cited by Quest Diagnostics Nichols Institute San Juan Capistrano); PubMed 35652053 (cited by Quest Diagnostics Nichols Institute San Juan Capistrano); PubMed 35527187 (cited by Quest Diagnostics Nichols Institute San Juan Capistrano); PubMed 35313924 (cited by Quest Diagnostics Nichols Institute San Juan Capistrano); PubMed 34583889 (cited by Quest Diagnostics Nichols Institute San Juan Capistrano); PubMed 35997436 (cited by Quest Diagnostics Nichols Institute San Juan Capistrano); PubMed 19914443 (cited by Quest Diagnostics Nichols Institute San Juan Capistrano); PubMed 36207272 (cited by Quest Diagnostics Nichols Institute San Juan Capistrano); PubMed 37313453 (cited by Quest Diagnostics Nichols Institute San Juan Capistrano); PubMed 15948195 (cited by 3 submitters); PubMed 31005549 (cited by Quest Diagnostics Nichols Institute San Juan Capistrano); PubMed 20797923 (cited by Quest Diagnostics Nichols Institute San Juan Capistrano and Women's Health and Genetics/Laboratory Corporation of America, LabCorp); PubMed 26437683 (cited by Quest Diagnostics Nichols Institute San Juan Capistrano and Women's Health and Genetics/Laboratory Corporation of America, LabCorp); PubMed 16617247 (cited by Quest Diagnostics Nichols Institute San Juan Capistrano and Women's Health and Genetics/Laboratory Corporation of America, LabCorp); PubMed 32773111 (cited by Quest Diagnostics Nichols Institute San Juan Capistrano); PubMed 33572515 (cited by Quest Diagnostics Nichols Institute San Juan Capistrano); PubMed 11446424 (cited by 3 submitters); PubMed 9521595 (cited by 4 submitters); PubMed 28544683 (cited by Quest Diagnostics Nichols Institute San Juan Capistrano and Women's Health and Genetics/Laboratory Corporation of America, LabCorp); PubMed 10601093 (cited by Women's Health and Genetics/Laboratory Corporation of America, LabCorp); PubMed 17975025 (cited by Women's Health and Genetics/Laboratory Corporation of America, LabCorp); PubMed 20021716 (cited by 3 submitters); PubMed 20100616 (cited by Women's Health and Genetics/Laboratory Corporation of America, LabCorp); PubMed 25033378 (cited by Women's Health and Genetics/Laboratory Corporation of America, LabCorp and Johns Hopkins Genomics, Johns Hopkins University); PubMed 18456578 (cited by AiLife Diagnostics and ClinVar Staff, National Center for Biotechnology Information (NCBI)); PubMed 27449771 (cited by AiLife Diagnostics).